The following is an entry in ClinVar:

ClinVar aggregate classification (germline): Uncertain significance. Review status: criteria provided, multiple submitters, no conflicts (2 of 4 stars). 3 submissions from 3 submitters: Uncertain significance (3). Last evaluated 2025-12-29.

Conditions:
SIX2-related disorder. Also called: SIX2-related condition.

Allele frequency attached by ClinVar (database versions not stated): gnomAD 0.00003; TOPMed 0.00003.

Submissions (3):

PreventionGenetics, part of Exact Sciences
Classification: Uncertain significance for SIX2-related condition. Last evaluated: 2025-12-29. Review status: criteria provided, single submitter. Criteria: ACMG Guidelines, 2015. Collection method: clinical testing. Allele origin: germline.
Comment: The SIX2 c.781G>A variant is predicted to result in the amino acid substitution p.Gly261Ser. To our knowledge, this variant has not been reported in the literature. This variant is reported in 0.0039% of alleles in individuals of European (Non-Finnish) descent in gnomAD. At this time, the clinical significance of this variant is uncertain due to the absence of conclusive functional and genetic evidence.

Ambry Genetics
Classification: Uncertain significance. Last evaluated: 2025-10-22. Review status: criteria provided, single submitter. Criteria: Ambry Variant Classification Scheme 2023. Collection method: clinical testing. Allele origin: germline.

Labcorp Genetics (formerly Invitae), Labcorp
Classification: Uncertain significance. Last evaluated: 2022-06-25. Review status: criteria provided, single submitter. Criteria: Invitae Variant Classification Sherloc (09022015). Collection method: clinical testing. Allele origin: germline.
Comment: This variant has not been reported in the literature in individuals affected with SIX2-related conditions. Algorithms developed to predict the effect of missense changes on protein structure and function are either unavailable or do not agree on the potential impact of this missense change (SIFT: "Deleterious"; PolyPhen-2: "Benign"; Align-GVGD: "Class C0"). In summary, the available evidence is currently insufficient to determine the role of this variant in disease. Therefore, it has been classified as a Variant of Uncertain Significance. This variant is present in population databases (no rsID available, gnomAD 0.004%). This sequence change replaces glycine, which is neutral and non-polar, with serine, which is neutral and polar, at codon 261 of the SIX2 protein (p.Gly261Ser).

NM_016932.5(SIX2):c.781G>A (p.Gly261Ser)

Gene: SIX2 (SIX homeobox 2; minus strand). Cytogenetic location: 2p21.
Variant type: single nucleotide variant.
Coding change: c.781G>A on transcript NM_016932.5 (MANE Select); coding-DNA position 781, G replaced by A.
Protein change: p.Gly261Ser; replaces glycine 261 with serine.
Molecular consequence: missense variant.
Genome position (GRCh38, 1-based): chr2:45,006,265, C>T on the plus strand (G>A on the coding strand, the complement: SIX2 is on the minus strand). VCF-style: chr2-45006265-C-T. GRCh37 (hg19) VCF-style: chr2-45233404-C-T.
Other names: short protein forms G261S.
Identifiers: ClinVar variation 1936717 (VCV001936717.8), dbSNP rs1426126643, ClinGen allele CA346801024.